The following is an entry in ClinVar:

NM_000094.4(COL7A1):c.3886G>A (p.Gly1296Ser)

Gene: COL7A1 (collagen type VII alpha 1 chain; minus strand). Cytogenetic location: 3p21.31.
Variant type: single nucleotide variant.
Coding change: c.3886G>A on transcript NM_000094.4 (MANE Select); coding-DNA position 3886, G replaced by A.
Protein change: p.Gly1296Ser; replaces glycine 1296 with serine.
Molecular consequence: missense variant.
Genome position (GRCh38, 1-based): chr3:48,585,565, C>T on the plus strand (G>A on the coding strand, the complement: COL7A1 is on the minus strand). VCF-style: chr3-48585565-C-T. GRCh37 (hg19) VCF-style: chr3-48622998-C-T.
Other names: short protein forms G1296S.
Identifiers: ClinVar variation 3695174 (VCV003695174.2).

ClinVar aggregate classification (germline): Uncertain significance (1 of 4 stars; one submission).

Submission:

Labcorp Genetics (formerly Invitae), Labcorp
Classification: Uncertain significance. Last evaluated: 2024-03-20. Review status: criteria provided, single submitter. Criteria: Invitae Variant Classification Sherloc (09022015). Collection method: clinical testing. Allele origin: germline.
Comment: This sequence change replaces glycine, which is neutral and non-polar, with serine, which is neutral and polar, at codon 1296 of the COL7A1 protein (p.Gly1296Ser). This variant is not present in population databases (gnomAD no frequency). This variant has not been reported in the literature in individuals affected with COL7A1-related conditions. Advanced modeling of protein sequence and biophysical properties (such as structural, functional, and spatial information, amino acid conservation, physicochemical variation, residue mobility, and thermodynamic stability) performed at Invitae indicates that this missense variant is expected to disrupt COL7A1 protein function with a positive predictive value of 95%. In summary, the available evidence is currently insufficient to determine the role of this variant in disease. Therefore, it has been classified as a Variant of Uncertain Significance.